The following is an entry in ClinVar:

ClinVar aggregate classification (germline): Uncertain significance. Review status: criteria provided, multiple submitters, no conflicts (2 of 4 stars). 4 submissions from 4 submitters: Uncertain significance (4). Last evaluated 2026-04-11.

Conditions:
PKD2-related disorder. Also called: PKD2-related condition.
Autosomal dominant polycystic kidney disease. Identifiers: Orphanet 730, MedGen C0085413, MONDO:0004691.
Polycystic kidney disease 2 (PKD2). Also called: POLYCYSTIC KIDNEY DISEASE, ADULT, TYPE II; Polycystic Kidney Disease 2, Autosomal Dominant; POLYCYSTIC KIDNEY DISEASE 2 WITH OR WITHOUT POLYCYSTIC LIVER DISEASE. Identifiers: MedGen C2751306, MONDO:0013131, OMIM 613095.

Allele frequency attached by ClinVar (database versions not stated): gnomAD 0.00005.
gnomAD v4.1: 20 of 1,613,982 alleles (0.0012%); highest among the groups gnomAD compares: Admixed American, 0.013%; no homozygotes.

Submissions (4):

PreventionGenetics, part of Exact Sciences
Classification: Uncertain significance for PKD2-related condition. Last evaluated: 2026-04-11. Review status: criteria provided, single submitter. Criteria: ACMG Guidelines, 2015. Collection method: clinical testing. Allele origin: germline.
Comment: The PKD2 c.2834G>A variant is predicted to result in the amino acid substitution p.Arg945His. To our knowledge, this variant has not been reported in the literature. This variant is reported in 0.016% of alleles in individuals of East Asian descent in gnomAD. Although we suspect that this variant may be benign, at this time, the clinical significance of this variant is uncertain due to the absence of conclusive functional and genetic evidence.

Labcorp Genetics (formerly Invitae), Labcorp
Classification: Uncertain significance for Autosomal dominant polycystic kidney disease. Last evaluated: 2025-11-04. Review status: criteria provided, single submitter. Criteria: Invitae Variant Classification Sherloc (09022015). Collection method: clinical testing. Allele origin: germline.
Comment: This sequence change replaces arginine, which is basic and polar, with histidine, which is basic and polar, at codon 945 of the PKD2 protein (p.Arg945His). This variant is present in population databases (rs757884381, gnomAD 0.02%). This variant has not been reported in the literature in individuals affected with PKD2-related conditions. ClinVar contains an entry for this variant (Variation ID: 2202617). An algorithm developed to predict the effect of missense changes on protein structure and function outputs the following: PolyPhen-2: "Possibly Damaging". The histidine amino acid residue is found in multiple mammalian species, which suggests that this missense change does not adversely affect protein function. In summary, the available evidence is currently insufficient to determine the role of this variant in disease. Therefore, it has been classified as a Variant of Uncertain Significance.

GeneDx
Classification: Uncertain significance. Last evaluated: 2024-04-05. Review status: criteria provided, single submitter. Criteria: GeneDx Variant Classification Process June 2021. Collection method: clinical testing. Allele origin: germline. Affected: yes.
Comment: In silico analysis indicates that this missense variant does not alter protein structure/function; Has not been previously published as pathogenic or benign to our knowledge

Fulgent Genetics
Classification: Uncertain significance for Polycystic kidney disease 2. Last evaluated: 2024-01-15. Review status: criteria provided, single submitter. Criteria: ACMG Guidelines, 2015. Collection method: clinical testing. Allele origin: germline.

NM_000297.4(PKD2):c.2834G>A (p.Arg945His)

Gene: PKD2 (polycystin 2, transient receptor potential cation channel; plus strand). Cytogenetic location: 4q22.1.
Variant type: single nucleotide variant.
Coding change: c.2834G>A on transcript NM_000297.4 (MANE Select); coding-DNA position 2834, G replaced by A.
Protein change: p.Arg945His; replaces arginine 945 with histidine.
Molecular consequence: missense variant. On other transcripts: non-coding transcript variant (1).
Genome position (GRCh38, 1-based): chr4:88,075,621, G>A. VCF-style: chr4-88075621-G-A. GRCh37 (hg19) VCF-style: chr4-88996773-G-A.
Other names: c.2834G>A (NM_000297.3); short protein forms R945H.
Identifiers: ClinVar variation 2202617 (VCV002202617.7), dbSNP rs757884381, ClinGen allele CA3004374.